The following is an entry in ClinVar:

ClinVar aggregate classification (germline): Uncertain significance (1 of 4 stars; one submission).

Conditions:
SARS2-related disorder. Also called: SARS2-related condition.

Submission:

PreventionGenetics, part of Exact Sciences
Classification: Uncertain significance for SARS2-related condition. Last evaluated: 2026-04-08. Review status: criteria provided, single submitter. Criteria: ACMG Guidelines, 2015. Collection method: clinical testing. Allele origin: germline.
Comment: The SARS2 c.404A>T variant is predicted to result in the amino acid substitution p.Asp135Val. To our knowledge, this variant has not been reported in the literature. This variant has been reported on 2 alleles in the 'remaining individuals' population in gnomAD. At this time, the clinical significance of this variant is uncertain due to the absence of conclusive functional and genetic evidence.

NM_017827.4(SARS2):c.393+170A>T

Gene: SARS2 (seryl-tRNA synthetase 2, mitochondrial; minus strand). Cytogenetic location: 19q13.2.
Variant type: single nucleotide variant.
Coding change: c.393+170A>T on transcript NM_017827.4 (MANE Select); 170 bases into the intron after coding-DNA position 393, A replaced by T.
Molecular consequence: intron variant. On other transcripts: missense variant (1).
Genome position (GRCh38, 1-based): chr19:38,922,068, T>A on the plus strand (A>T on the coding strand, the complement: SARS2 is on the minus strand). VCF-style: chr19-38922068-T-A. GRCh37 (hg19) VCF-style: chr19-39412708-T-A.
Other names: c.404A>T, p.Asp135Val (NM_001145901.2); short protein forms D135V.
Identifiers: ClinVar variation 4980333 (VCV004980333.1).
Genomic context (GRCh38, chr19:38,922,068, plus strand): 5'-AGAGAAAGCTGGCCTGGGAATGGGAGGAACGTAGGACCAAATATGGAGCCAGCACCTGGA[T>A]CCAGCCGCACCTGAAGCCAGTTTTAGTTTCATGCATCAATAGAGCCTATTTTTTTTTTCC-3'